The following is an entry in ClinVar:

NM_014974.3(DIP2C):c.1500G>C (p.Lys500Asn)

Gene: DIP2C (disco interacting protein 2 homolog C; minus strand). Cytogenetic location: 10p15.3.
Variant type: single nucleotide variant.
Coding change: c.1500G>C on transcript NM_014974.3 (MANE Select); coding-DNA position 1500, G replaced by C.
Protein change: p.Lys500Asn; replaces lysine 500 with asparagine.
Molecular consequence: missense variant.
Genome position (GRCh38, 1-based): chr10:390,088, C>G on the plus strand (G>C on the coding strand, the complement: DIP2C is on the minus strand). VCF-style: chr10-390088-C-G. GRCh37 (hg19) VCF-style: chr10-436028-C-G.
Other names: short protein forms K500N.
Identifiers: ClinVar variation 4537690 (VCV004537690.1).

ClinVar aggregate classification (germline): Uncertain significance (1 of 4 stars; one submission).

Submission:

GeneDx
Classification: Uncertain significance. Last evaluated: 2025-06-10. Review status: criteria provided, single submitter. Criteria: GeneDx Variant Classification Process June 2021. Collection method: clinical testing. Allele origin: germline. Affected: yes.
Comment: Not observed at significant frequency in large population cohorts (gnomAD); In silico analysis suggests that this missense variant does not alter protein structure/function; Has not been previously published as pathogenic or benign to our knowledge